The following is an entry in ClinVar:

NM_003803.4(MYOM1):c.64G>C (p.Val22Leu)

Gene: MYOM1 (myomesin 1; minus strand). Cytogenetic location: 18p11.31.
Variant type: single nucleotide variant.
Coding change: c.64G>C on transcript NM_003803.4 (MANE Select); coding-DNA position 64, G replaced by C.
Protein change: p.Val22Leu; replaces valine 22 with leucine.
Molecular consequence: missense variant.
Genome position (GRCh38, 1-based): chr18:3,215,160, C>G on the plus strand (G>C on the coding strand, the complement: MYOM1 is on the minus strand). VCF-style: chr18-3215160-C-G. GRCh37 (hg19) VCF-style: chr18-3215158-C-G.
Other names: c.64G>C, p.Val22Leu (NM_019856.2); short protein forms V22L.
Identifiers: ClinVar variation 226833 (VCV000226833.20), dbSNP rs1791085, ClinGen allele CA8875378.

ClinVar aggregate classification (germline): Benign. Review status: criteria provided, multiple submitters, no conflicts (2 of 4 stars). 6 submissions from 6 submitters: Benign (5). 1 of the submissions does not count toward it. Last evaluated 2026-02-04.

Conditions:
Cardiovascular phenotype. Identifiers: MedGen CN230736.
MYOM1-related disorder.
Hypertrophic cardiomyopathy. Also called: HYPERTROPHIC MYOCARDIOPATHY. Identifiers: Orphanet 217569, MedGen C0007194, MeSH D002312, MONDO:0005045, HP:0001639.

Allele frequency attached by ClinVar (database versions not stated): ESP Exome Variant Server 0.09690; TOPMed 0.10264; 1000 Genomes Project 0.12800.
gnomAD v4.1: 156,105 of 1,613,376 alleles (9.7%); highest among the groups gnomAD compares: East Asian, 18%; 7,946 homozygotes.

Submissions (6):

Labcorp Genetics (formerly Invitae), Labcorp
Classification: Benign for Hypertrophic cardiomyopathy. Last evaluated: 2026-02-04. Review status: criteria provided, single submitter. Criteria: Invitae Variant Classification Sherloc (09022015). Collection method: clinical testing. Allele origin: germline.

GeneDx
Classification: Benign. Last evaluated: 2018-09-06. Review status: criteria provided, single submitter. Criteria: GeneDx Variant Classification Process June 2021. Collection method: clinical testing. Allele origin: germline. Affected: yes.

Laboratory for Molecular Medicine, Mass General Brigham Personalized Medicine
Classification: Benign. Last evaluated: 2014-11-24. Review status: criteria provided, single submitter. Criteria: LMM Criteria. Collection method: clinical testing. Allele origin: germline. Observed: 92 variant alleles.
Comment: Val22Leu in exon 2 of MYOM1: This variant is not expected to have clinical signi ficance because it has been identified in 11.9% (501/4212) of African American c hromosomes from a broad population by the NHLBI Exome Sequencing Project (dbSNP rs1791085).

Ambry Genetics
Classification: Benign for Cardiovascular phenotype. Last evaluated: 2013-01-21. Review status: criteria provided, single submitter. Criteria: Ambry Autosomal Dominant and X-Linked criteria (10/2015). Collection method: clinical testing. Allele origin: germline. Observed: 1 variant allele.
Comment: General population or subpopulation frequency is too high to be a pathogenic mutation based on disease/syndrome prevalence and penetrance

Breakthrough Genomics
Classification: Benign. Review status: criteria provided, single submitter. Criteria: ACMG Guidelines, 2015. Collection method: not provided. Allele origin: germline. Inheritance: Unknown mechanism. Affected: yes.

PreventionGenetics, part of Exact Sciences
Classification: Benign for MYOM1-related condition. Last evaluated: 2019-10-21. Review status: no assertion criteria provided. Collection method: clinical testing. Allele origin: germline. Not counted in ClinVar's aggregate classification.
Comment: This variant is classified as benign based on ACMG/AMP sequence variant interpretation guidelines (Richards et al. 2015 PMID: 25741868, with internal and published modifications).